The following is an entry in ClinVar:

ClinVar aggregate classification (germline): Uncertain significance (1 of 4 stars; one submission).

Submission:

GeneDx
Classification: Uncertain significance. Last evaluated: 2025-01-02. Review status: criteria provided, single submitter. Criteria: GeneDx Variant Classification Process June 2021. Collection method: clinical testing. Allele origin: germline. Affected: yes.
Comment: Not observed at significant frequency in large population cohorts (gnomAD); In silico analysis supports that this missense variant has a deleterious effect on protein structure/function; Has not been previously published as pathogenic or benign to our knowledge

NM_000540.3(RYR1):c.7519G>A (p.Asp2507Asn)

Gene: RYR1 (ryanodine receptor 1; plus strand). Cytogenetic location: 19q13.2.
Variant type: single nucleotide variant.
Coding change: c.7519G>A on transcript NM_000540.3 (MANE Select); coding-DNA position 7519, G replaced by A.
Protein change: p.Asp2507Asn; replaces aspartic acid 2507 with asparagine.
Molecular consequence: missense variant.
Genome position (GRCh38, 1-based): chr19:38,500,895, G>A. VCF-style: chr19-38500895-G-A. GRCh37 (hg19) VCF-style: chr19-38991535-G-A.
Other names: c.7519G>A, p.Asp2507Asn (NM_001042723.2); short protein forms D2507N.
Identifiers: ClinVar variation 4055947 (VCV004055947.1).
Genomic context (GRCh38, chr19:38,500,895, plus strand): 5'-CAGCCAAAGATGTCAGCATCCTTCGTGCCGGACCACAAGGCGTCCATGGTGCTCTTCCTG[G>A]ACCGTGTGTATGGCATCGAGAACCAGGACTTCTTGCTGCACGTGCTGGACGTGGGGTTCC-3'
Protein context (NP_000531.2, residues 2497-2517): DHKASMVLFL[Asp2507Asn]RVYGIENQDF